The following is an entry in ClinVar:

ClinVar aggregate classification (germline): Uncertain significance (1 of 4 stars; one submission).

Conditions:
Joubert syndrome. Also called: Familial aplasia of the vermis; CEREBELLOPARENCHYMAL DISORDER IV; JOUBERT-BOLTSHAUSER SYNDROME. Identifiers: Orphanet 475, MedGen C5979921, MONDO:0018772.
Meckel-Gruber syndrome. Also called: Dysencephalia splachnocystica; DYSENCEPHALIA SPLANCHNOCYSTICA; GRUBER SYNDROME. Identifiers: Orphanet 564, MedGen C0265215, MONDO:0018921.

Submission:

Labcorp Genetics (formerly Invitae), Labcorp
Classification: Uncertain significance for Joubert syndrome; Meckel-Gruber syndrome. Last evaluated: 2021-09-01. Review status: criteria provided, single submitter. Criteria: Invitae Variant Classification Sherloc (09022015). Collection method: clinical testing. Allele origin: germline.
Comment: This sequence change replaces tyrosine with histidine at codon 213 of the MKS1 protein (p.Tyr213His). The tyrosine residue is moderately conserved and there is a moderate physicochemical difference between tyrosine and histidine. This variant is not present in population databases (ExAC no frequency). This variant has not been reported in the literature in individuals affected with MKS1-related conditions. Algorithms developed to predict the effect of missense changes on protein structure and function output the following: SIFT: "Tolerated"; PolyPhen-2: "Benign"; Align-GVGD: "Class C0". The histidine amino acid residue is found in multiple mammalian species, which suggests that this missense change does not adversely affect protein function. In summary, the available evidence is currently insufficient to determine the role of this variant in disease. Therefore, it has been classified as a Variant of Uncertain Significance.

NM_017777.4(MKS1):c.637T>C (p.Tyr213His)

Gene: MKS1 (MKS transition zone complex subunit 1; minus strand). Cytogenetic location: 17q22.
Variant type: single nucleotide variant.
Coding change: c.637T>C on transcript NM_017777.4 (MANE Select); coding-DNA position 637, T replaced by C.
Protein change: p.Tyr213His; replaces tyrosine 213 with histidine.
Molecular consequence: missense variant.
Genome position (GRCh38, 1-based): chr17:58,214,266, A>G on the plus strand (T>C on the coding strand, the complement: MKS1 is on the minus strand). VCF-style: chr17-58214266-A-G. GRCh37 (hg19) VCF-style: chr17-56291627-A-G.
Other names: c.28T>C, p.Tyr10His (NM_001321268.2); c.637T>C, p.Tyr213His (NM_001321269.2, NM_001330397.2); short protein forms Y10H, Y213H.
Identifiers: ClinVar variation 1054667 (VCV001054667.6), dbSNP rs780721543, ClinGen allele CA400326834.